The following is an entry in ClinVar:

NM_004104.5(FASN):c.3429G>C (p.Gly1143=)

Gene: FASN (fatty acid synthase; minus strand). Cytogenetic location: 17q25.3.
Variant type: single nucleotide variant.
Coding change: c.3429G>C on transcript NM_004104.5 (MANE Select); coding-DNA position 3429, G replaced by C.
Protein change: p.Gly1143=; no amino-acid change (glycine 1143 retained).
Molecular consequence: synonymous variant.
Genome position (GRCh38, 1-based): chr17:82,086,557, C>G on the plus strand (G>C on the coding strand, the complement: FASN is on the minus strand). VCF-style: chr17-82086557-C-G. GRCh37 (hg19) VCF-style: chr17-80044433-C-G.
Identifiers: ClinVar variation 3060770 (VCV003060770.2), dbSNP rs1156642508, ClinGen allele CA502432147.

ClinVar aggregate classification (germline): Likely benign (0 of 4 stars; one submission).

Conditions:
FASN-related disorder. Also called: FASN-related condition.

Allele frequency attached by ClinVar (database versions not stated): gnomAD exomes below 0.00001.
gnomAD v4.1: 5 of 1,609,456 alleles (0.00031%); highest among the groups gnomAD compares: South Asian, 0.0055%; no homozygotes.

Submission:

PreventionGenetics, part of Exact Sciences
Classification: Likely benign for FASN-related condition. Last evaluated: 2022-02-14. Review status: no assertion criteria provided. Collection method: clinical testing. Allele origin: germline.
Comment: This variant is classified as likely benign based on ACMG/AMP sequence variant interpretation guidelines (Richards et al. 2015 PMID: 25741868, with internal and published modifications).